The following is an entry in ClinVar:

NM_001283009.2(RTEL1):c.2275C>G (p.Pro759Ala)

Genes: RTEL1 (regulator of telomere elongation helicase 1; plus strand), RTEL1-TNFRSF6B (RTEL1-TNFRSF6B readthrough (NMD candidate); plus strand). Cytogenetic location: 20q13.33.
Variant type: single nucleotide variant.
Coding change: c.2275C>G on transcript NM_001283009.2 (MANE Select); coding-DNA position 2275, C replaced by G.
Protein change: p.Pro759Ala; replaces proline 759 with alanine.
Molecular consequence: missense variant. On other transcripts: non-coding transcript variant (1).
Genome position (GRCh38, 1-based): chr20:63,690,303, C>G. VCF-style: chr20-63690303-C-G. GRCh37 (hg19) VCF-style: chr20-62321656-C-G.
Other names: c.2347C>G (NM_032957.4); c.1606C>G, p.Pro536Ala (NM_001283010.1); c.2275C>G, p.Pro759Ala (NM_016434.4); c.2347C>G, p.Pro783Ala (NM_032957.5); short protein forms P536A, P759A, P783A.
Identifiers: ClinVar variation 1313462 (VCV001313462.6), dbSNP rs775121139, ClinGen allele CA9965266.
Genomic context (GRCh38, chr20:63,690,303, plus strand): 5'-TTGTCCCCAGAGGAGCCAGAAATGGGTCCACCCACCCCCATGGTTCTGCAGATGCCAGCG[C>G]CGGCCCCCCGGGCTACAGCACCCAGTGTGCGTGGAGAAGATGCTGTCAGCGAGGCCAAGT-3'
Protein context (NP_001269938.1, residues 749-769): FRVAERTMPA[Pro759Ala]APRATAPSVR

ClinVar aggregate classification (germline): Uncertain significance. Review status: criteria provided, multiple submitters, no conflicts (2 of 4 stars). 4 submissions from 4 submitters: Uncertain significance (4). Last evaluated 2023-03-02.

Conditions:
Inborn genetic diseases. Identifiers: MedGen C0950123, MeSH D030342.
Pulmonary fibrosis and/or bone marrow failure, Telomere-related, 3. Also called: PULMONARY FIBROSIS AND/OR BONE MARROW FAILURE SYNDROME, TELOMERE-RELATED, 3. Identifiers: Orphanet 2032, MedGen C4225346, MONDO:0014613, OMIM 616373.
Dyskeratosis congenita, autosomal recessive 5 (DKCB5). Identifiers: MedGen C3554656, MONDO:0014076, OMIM 615190.

Allele frequency attached by ClinVar (database versions not stated): ExAC 0.00002; gnomAD exomes 0.00004 and 0.00012; gnomAD 0.00005; TOPMed 0.00005.
gnomAD v4.1: 174 of 1,605,474 alleles (0.011%); highest among the groups gnomAD compares: Non-Finnish European, 0.014%; no homozygotes.

Submissions (4):

Blueprint Genetics
Classification: Uncertain significance. Last evaluated: 2023-03-02. Review status: criteria provided, single submitter. Criteria: ACMG Guidelines, 2015. Collection method: clinical testing. Allele origin: germline.

Fulgent Genetics
Classification: Uncertain significance for Dyskeratosis congenita, autosomal recessive 5; Pulmonary fibrosis and/or bone marrow failure, Telomere-related, 3. Last evaluated: 2022-04-08. Review status: criteria provided, single submitter. Criteria: ACMG Guidelines, 2015. Collection method: clinical testing. Allele origin: unknown.

Ambry Genetics
Classification: Uncertain significance for Inborn genetic diseases. Last evaluated: 2022-01-27. Review status: criteria provided, single submitter. Criteria: Ambry Variant Classification Scheme 2023. Collection method: clinical testing. Allele origin: germline.

GeneDx
Classification: Uncertain significance. Last evaluated: 2020-01-27. Review status: criteria provided, single submitter. Criteria: GeneDx Variant Classification Process June 2021. Collection method: clinical testing. Allele origin: germline. Affected: yes.
Comment: Observed in individuals with a personal history of chronic hypersensitivity pneumonitis (Ley 2019); In-silico analyses, including protein predictors and evolutionary conservation, support a deleterious effect; This variant is associated with the following publications: (PMID: 31268371)

Literature cited by the submitters: PubMed 31268371 (cited by Ambry Genetics).